The following is an entry in ClinVar:

ClinVar aggregate classification (germline): Uncertain significance. Review status: criteria provided, multiple submitters, no conflicts (2 of 4 stars). 3 submissions from 3 submitters: Uncertain significance (3). Last evaluated 2025-04-02.

Conditions:
RYR1-related disorder. Also called: RYR1-related condition; RYR1-related disorders. Identifiers: MedGen CN239331.
Malignant hyperthermia, susceptibility to, 1 (MHS1). Also called: Anesthesia related hyperthermia; Malignant hyperpyrexia; Fulminating hyperpyrexia; Pharmacogenic myopathy; RYR1-Related Malignant Hyperthermia Susceptibility; Malignant hyperthermia suceptibility 1. Identifiers: Orphanet 423, MedGen C2930980, MONDO:0007783, OMIM 145600.

Allele frequency attached by ClinVar (database versions not stated): gnomAD 0.00001 and 0.00002; gnomAD exomes 0.00001 and 0.00002; 1000 Genomes Project 30x 0.00016; 1000 Genomes Project 0.00020; TOPMed 0.00002; ExAC 0.00003.
gnomAD v4.1: 17 of 1,613,756 alleles (0.0011%); highest among the groups gnomAD compares: East Asian, 0.036%; no homozygotes.

Submissions (3):

Labcorp Genetics (formerly Invitae), Labcorp
Classification: Uncertain significance for RYR1-related disorder. Last evaluated: 2025-04-02. Review status: criteria provided, single submitter. Criteria: Invitae Variant Classification Sherloc (09022015). Collection method: clinical testing. Allele origin: germline.
Comment: This sequence change replaces lysine, which is basic and polar, with asparagine, which is neutral and polar, at codon 2838 of the RYR1 protein (p.Lys2838Asn). This variant is present in population databases (rs140171924, gnomAD 0.03%). This variant has not been reported in the literature in individuals affected with RYR1-related conditions. ClinVar contains an entry for this variant (Variation ID: 329079). Invitae Evidence Modeling of protein sequence and biophysical properties (such as structural, functional, and spatial information, amino acid conservation, physicochemical variation, residue mobility, and thermodynamic stability) indicates that this missense variant is not expected to disrupt RYR1 protein function with a negative predictive value of 80%. In summary, the available evidence is currently insufficient to determine the role of this variant in disease. Therefore, it has been classified as a Variant of Uncertain Significance.

All of Us Research Program, National Institutes of Health
Classification: Uncertain significance for Malignant hyperthermia, susceptibility to, 1. Last evaluated: 2024-06-17. Review status: criteria provided, single submitter. Criteria: ACMG Guidelines, 2015. Collection method: clinical testing. Allele origin: germline. Inheritance: Autosomal dominant inheritance. Observed: 1 variant allele, 1 heterozygote.
Comment: This missense variant replaces lysine with asparagine at codon 2838 of the RYR1 protein. Computational prediction suggests that this variant may not impact protein structure and function (internally defined REVEL score threshold <= 0.5, PMID: 27666373). To our knowledge, functional studies have not been reported for this variant. This variant has not been reported in individuals affected with RYR1-related disorders in the literature. This variant has been identified in 6/281796 chromosomes in the general population by the Genome Aggregation Database (gnomAD). The available evidence is insufficient to determine the role of this variant in disease conclusively. Therefore, this variant is classified as a Variant of Uncertain Significance.

This study involves interpretation of variants in research participants for the purpose of population health screening. Participant phenotype was not available at the time of variant classification. Additional details can be found in publication PMID: 35346344, PMCID: PMC8962531

Color Diagnostics, LLC DBA Color Health
Classification: Uncertain significance for Malignant hyperthermia, susceptibility to, 1. Last evaluated: 2024-06-04. Review status: criteria provided, single submitter. Criteria: ACMG Guidelines, 2015. Collection method: clinical testing. Allele origin: germline.
Comment: This missense variant replaces lysine with asparagine at codon 2838 of the RYR1 protein. Computational prediction suggests that this variant may not impact protein structure and function. To our knowledge, functional studies have not been reported for this variant. This variant has not been reported in individuals affected with RYR1-related disorders in the literature. This variant has been identified in 6/281796 chromosomes in the general population by the Genome Aggregation Database (gnomAD). The available evidence is insufficient to determine the role of this variant in disease conclusively. Therefore, this variant is classified as a Variant of Uncertain Significance.

NM_000540.3(RYR1):c.8514A>C (p.Lys2838Asn)

Genes: RYR1 (ryanodine receptor 1; plus strand), LOC126862902 (BRD4-independent group 4 enhancer GRCh37_chr19:38995830-38997029; plus strand). Cytogenetic location: 19q13.2.
Variant type: single nucleotide variant.
Coding change: c.8514A>C on transcript NM_000540.3 (MANE Select); coding-DNA position 8514, A replaced by C.
Protein change: p.Lys2838Asn; replaces lysine 2838 with asparagine.
Molecular consequence: missense variant.
Genome position (GRCh38, 1-based): chr19:38,505,919, A>C. VCF-style: chr19-38505919-A-C. GRCh37 (hg19) VCF-style: chr19-38996559-A-C.
Other names: c.8514A>C, p.Lys2838Asn (NM_001042723.2); short protein forms K2838N.
Identifiers: ClinVar variation 329079 (VCV000329079.8), dbSNP rs140171924, ClinGen allele CA072142.